The following is an entry in ClinVar:

NM_001323289.2(CDKL5):c.2593C>T (p.Gln865Ter)

Gene: CDKL5 (cyclin dependent kinase like 5; plus strand). Cytogenetic location: Xp22.13.
Variant type: single nucleotide variant.
Coding change: c.2593C>T on transcript NM_001323289.2 (MANE Select); coding-DNA position 2593, C replaced by T.
Protein change: p.Gln865Ter; replaces glutamine 865 with a stop codon.
Molecular consequence: nonsense.
Genome position (GRCh38, 1-based): chrX:18,628,467, C>T. VCF-style: chrX-18628467-C-T. GRCh37 (hg19) VCF-style: chrX-18646587-C-T.
Other names: NM_001323289.2(CDKL5):c.2593C>T; p.Gln865Ter; c.2593C>T, p.Gln865Ter (NM_001037343.2, NM_003159.3); short protein forms Q865*.
Identifiers: ClinVar variation 143808 (VCV000143808.13), dbSNP rs267608663, ClinGen allele CA171630.

ClinVar aggregate classification (germline): Pathogenic. Review status: criteria provided, multiple submitters, no conflicts (2 of 4 stars). 4 submissions from 4 submitters: Pathogenic (3). 1 of the submissions does not count toward it. Last evaluated 2024-09-16.

Conditions:
Inborn genetic diseases. Identifiers: MedGen C0950123, MeSH D030342.
CDKL5 disorder. Identifiers: MedGen CN296942, MONDO:0100039.
Developmental and epileptic encephalopathy, 2 (DEE2). Also called: INFANTILE SPASM SYNDROME, X-LINKED 2; CDKL5 deficiency disorder. Identifiers: Orphanet 1934, Orphanet 3451, Orphanet 505652, MedGen C4750718, MONDO:0010396, OMIM 300672.

Submissions (4):

Centre for Population Genomics, CPG
Classification: Pathogenic for CDKL5 disorder. Last evaluated: 2024-09-16. Review status: criteria provided, single submitter. Criteria: McKnight et al. (Hum Mutat. 2022). Collection method: curation. Allele origin: germline. Inheritance: X-linked inheritance.
Comment: This variant has been collected from RettBASE and curated to current modified ACMG/AMP criteria. Based on the classification scheme defined by the ClinGen Rett/Angelman-like Expert Panel for Rett/AS-like Disorders Specifications to the ACMG/AMP Variant Interpretation Guidelines VCEP 3.0, this variant is classified as pathogenic. At least the following criteria are met: Predicted to result in loss of function, and LOF is a known mechanism of disease (PVS1). This variant has been identified as a de novo occurrence in an individual with CDKL5 disorder without confirmation of paternity and maternity (PM6, PMID: 23583054). This variant is absent from gnomAD (PM2_Supporting).

Ambry Genetics
Classification: Pathogenic for Inborn genetic diseases. Last evaluated: 2017-03-21. Review status: criteria provided, single submitter. Criteria: Ambry Variant Classification Scheme 2023. Collection method: clinical testing. Allele origin: germline.
Comment: The p.Q865* pathogenic mutation (also known as c.2593C>T), located in coding exon 17 of the CDKL5 gene, results from a C to T substitution at nucleotide position 2593. This changes the amino acid from a glutamine to a stop codon within coding exon 17. In addition to the clinical data presented in the literature, this alteration is expected to result in loss of function by premature protein truncation or nonsense-mediated mRNA decay. As such, this alteration is interpreted as a disease-causing mutation.

Genetic Services Laboratory, University of Chicago
Classification: Pathogenic for Epileptic encephalopathy, early infantile, 2. Last evaluated: 2013-02-08. Review status: criteria provided, single submitter. Criteria: ACMG Guidelines, 2007. Collection method: clinical testing. Allele origin: germline. Inheritance: X-linked inheritance. Affected: yes.

RettBASE
Classification: Pathogenic for Epileptic encephalopathy, early infantile, 2. Last evaluated: 2014-03-13. Review status: no assertion criteria provided. Collection method: curation. Allele origin: de novo. Affected: yes. Observed: 1 variant allele. Not counted in ClinVar's aggregate classification.
Comment: Truncation causing loss of C-terminus

Literature cited by the submitters: PubMed 22264704 (cited by Ambry Genetics); PubMed 23583054 (cited by RettBASE).